The following is an entry in ClinVar:

ClinVar aggregate classification (germline): Uncertain significance (1 of 4 stars; one submission).

Conditions:
Arrhythmogenic cardiomyopathy with wooly hair and keratoderma. Also called: PALMOPLANTAR KERATODERMA WITH LEFT VENTRICULAR CARDIOMYOPATHY AND WOOLLY HAIR; Carvajal syndrome; Dilated cardiomyopathy with woolly hair and keratoderma; Arrhythmogenic cardiomyopathy with woolly hair and keratoderma. Identifiers: Orphanet 65282, MedGen C1854063, MONDO:0011581, OMIM 605676.
Arrhythmogenic right ventricular dysplasia 8 (ARVD8). Also called: Arrhythmogenic Right Ventricular Dysplasia/Cardiomyopathy 8; ARRHYTHMOGENIC RIGHT VENTRICULAR DYSPLASIA, FAMILIAL, 8; ARRHYTHMOGENIC RIGHT VENTRICULAR CARDIOMYOPATHY 8. Identifiers: MedGen C1843896, MONDO:0011831, OMIM 607450.

Submission:

Labcorp Genetics (formerly Invitae), Labcorp
Classification: Uncertain significance for Arrhythmogenic cardiomyopathy with wooly hair and keratoderma; Arrhythmogenic right ventricular dysplasia 8. Last evaluated: 2025-11-18. Review status: criteria provided, single submitter. Criteria: Invitae Variant Classification Sherloc (09022015). Collection method: clinical testing. Allele origin: germline.
Comment: This sequence change replaces tryptophan, which is neutral and slightly polar, with cysteine, which is neutral and slightly polar, at codon 360 of the DSP protein (p.Trp360Cys). This variant is not present in population databases (gnomAD no frequency). This variant has not been reported in the literature in individuals affected with DSP-related conditions. An algorithm developed to predict the effect of missense changes on protein structure and function (PolyPhen-2) suggests that this variant is likely to be disruptive. In summary, the available evidence is currently insufficient to determine the role of this variant in disease. Therefore, it has been classified as a Variant of Uncertain Significance.

NM_004415.4(DSP):c.1080G>T (p.Trp360Cys)

Gene: DSP (desmoplakin; plus strand). Cytogenetic location: 6p24.3.
Variant type: single nucleotide variant.
Coding change: c.1080G>T on transcript NM_004415.4 (MANE Select); coding-DNA position 1080, G replaced by T.
Protein change: p.Trp360Cys; replaces tryptophan 360 with cysteine.
Molecular consequence: missense variant.
Genome position (GRCh38, 1-based): chr6:7,567,389, G>T. VCF-style: chr6-7567389-G-T. GRCh37 (hg19) VCF-style: chr6-7567622-G-T.
Other names: c.1080G>T, p.Trp360Cys (NM_001008844.3, NM_001319034.2, NM_001406591.1); short protein forms W360C.
Identifiers: ClinVar variation 4791597 (VCV004791597.1).
Genomic context (GRCh38, chr6:7,567,389, plus strand): 5'-GACAGCTGACATTTTCTTGTTTCAGGCCTATATGGACACTCTGCAGACGCAGTGGAGTTG[G>T]ATTCTTCAGATCACCAAGTGCATTGATGTTCATCTGAAAGAAAATGCTGCCTACTTTCAG-3'
Protein context (NP_004406.2, residues 350-370): YMDTLQTQWS[Trp360Cys]ILQITKCIDV